The following is an entry in ClinVar:

ClinVar aggregate classification (germline): Conflicting classifications of pathogenicity. Review status: criteria provided, conflicting classifications (1 of 4 stars). 2 submissions from 2 submitters: Uncertain significance (1); Likely benign (1). Last evaluated 2025-10-08.

Conditions:
Cardiovascular phenotype. Identifiers: MedGen CN230736.
Duchenne muscular dystrophy (DMD). Also called: MUSCULAR DYSTROPHY, PSEUDOHYPERTROPHIC PROGRESSIVE, DUCHENNE TYPE; Duchenne Muscular Dystrophy (DMD). Identifiers: Orphanet 98896, MedGen C0013264, MONDO:0010679, OMIM 310200.

Allele frequency attached by ClinVar (database versions not stated): gnomAD exomes below 0.00001 and 0.00001; ExAC 0.00001; TOPMed 0.00001; gnomAD 0.00003.
gnomAD v4.1: 4 of 1,206,936 alleles (0.00033%); highest among the groups gnomAD compares: African/African-American, 0.007%; no homozygotes.

Submissions (2):

Labcorp Genetics (formerly Invitae), Labcorp
Classification: Likely benign for Duchenne muscular dystrophy. Last evaluated: 2025-10-08. Review status: criteria provided, single submitter. Criteria: Invitae Variant Classification Sherloc (09022015). Collection method: clinical testing. Allele origin: germline.

Ambry Genetics
Classification: Uncertain significance for Cardiovascular phenotype. Last evaluated: 2022-04-21. Review status: criteria provided, single submitter. Criteria: Ambry Variant Classification Scheme 2023. Collection method: clinical testing. Allele origin: germline.
Comment: The c.732C>T variant (also known as p.S244S), located in coding exon 8 of the DMD gene, results from a C to T substitution at nucleotide position 732. This nucleotide substitution does not change the serine at codon 244. Based on data from gnomAD, the T allele has an overall frequency of 0.0005% (1/182924) total alleles studied, with 0 hemizygote(s) observed. The highest observed frequency was 0.0076% (1/13155) of African alleles. This nucleotide position is well conserved in available vertebrate species. In silico splice site analysis for this alteration is inconclusive. Since supporting evidence is limited at this time, the clinical significance of this alteration remains unclear.

NM_004006.3(DMD):c.732C>T (p.Ser244=)

Gene: DMD (dystrophin; minus strand). Cytogenetic location: Xp21.1.
Variant type: single nucleotide variant.
Coding change: c.732C>T on transcript NM_004006.3 (MANE Select); coding-DNA position 732, C replaced by T.
Protein change: p.Ser244=; no amino-acid change (serine 244 retained).
Molecular consequence: synonymous variant.
Genome position (GRCh38, 1-based): chrX:32,699,211, G>A on the plus strand (C>T on the coding strand, the complement: DMD is on the minus strand). VCF-style: chrX-32699211-G-A. GRCh37 (hg19) VCF-style: chrX-32717328-G-A.
Other names: c.708C>T, p.Ser236= (NM_000109.4); c.720C>T, p.Ser240= (NM_004009.3); c.363C>T, p.Ser121= (NM_004010.3).
Identifiers: ClinVar variation 1581683 (VCV001581683.10), dbSNP rs756282849, ClinGen allele CA10380079.